The following is an entry in ClinVar:

ClinVar aggregate classification (germline): Likely pathogenic (1 of 4 stars; one submission).

Conditions:
3-methylglutaconic aciduria, type VIIB (MGCA7B). Also called: 3-methylglutaconic aciduria with cataracts, neurologic involvement and neutropenia; 3-methylglutaconic aciduria, type VII, with cataracts, neurologic involvement and neutropenia; CLPB Deficiency. Identifiers: Orphanet 445038, MedGen C5676893, MONDO:0014561, OMIM 616271.

Submission:

Labcorp Genetics (formerly Invitae), Labcorp
Classification: Likely pathogenic for 3-methylglutaconic aciduria, type VIIB. Last evaluated: 2021-02-02. Review status: criteria provided, single submitter. Criteria: Invitae Variant Classification Sherloc (09022015). Collection method: clinical testing. Allele origin: germline.
Comment: In summary, the currently available evidence indicates that the variant is pathogenic, but additional data are needed to prove that conclusively. Therefore, this variant has been classified as Likely Pathogenic. Algorithms developed to predict the effect of sequence changes on RNA splicing suggest that this variant may disrupt the consensus splice site, but this prediction has not been confirmed by published transcriptional studies. This variant has not been reported in the literature in individuals with CLPB-related conditions. This variant is not present in population databases (ExAC no frequency). This sequence change affects a donor splice site in intron 12 of the CLPB gene. It is expected to disrupt RNA splicing. Variants that disrupt the donor or acceptor splice site typically lead to a loss of protein function (PMID: 16199547), and loss-of-function variants in CLPB are known to be pathogenic (PMID: 25597510, 28687938).

Literature cited by the submitters: PubMed 16199547; PubMed 25597510; PubMed 28687938.

NM_001258392.3(CLPB):c.1329+1G>A

Genes: CLPB (ClpB family mitochondrial disaggregase; minus strand), LOC126861258 (MED14-independent group 3 enhancer GRCh37_chr11:72012242-72013441; plus strand). Cytogenetic location: 11q13.4.
Variant type: single nucleotide variant.
Coding change: c.1329+1G>A on transcript NM_001258392.3 (MANE Select); the canonical splice donor site of the intron after coding-DNA position 1329, G replaced by A.
Molecular consequence: splice donor variant.
Genome position (GRCh38, 1-based): chr11:72,301,802, C>T on the plus strand (G>A on the coding strand, the complement: CLPB is on the minus strand). VCF-style: chr11-72301802-C-T. GRCh37 (hg19) VCF-style: chr11-72012846-C-T.
Other names: c.1242+1G>A (NM_001258393.3); c.1419+1G>A (NM_030813.6); c.1284+1G>A (NM_001258394.3).
Identifiers: ClinVar variation 1515336 (VCV001515336.8), dbSNP rs2135500473, ClinGen allele CA381732322.